The following is an entry in ClinVar:

ClinVar aggregate classification (germline): Uncertain significance (1 of 4 stars; one submission).

Conditions:
Dilated cardiomyopathy 1DD (CMD1DD). Identifiers: Orphanet 154, MedGen C2750995, MONDO:0013168, OMIM 613172.

Allele frequency attached by ClinVar (database versions not stated): TOPMed below 0.00001; gnomAD exomes 0.00001.
gnomAD v4.1: 10 of 1,551,562 alleles (0.00064%); highest among the groups gnomAD compares: Non-Finnish European, 0.00087%; no homozygotes.

Submission:

Labcorp Genetics (formerly Invitae), Labcorp
Classification: Uncertain significance for Dilated cardiomyopathy 1DD. Last evaluated: 2025-09-02. Review status: criteria provided, single submitter. Criteria: Invitae Variant Classification Sherloc (09022015). Collection method: clinical testing. Allele origin: germline.
Comment: This sequence change replaces aspartic acid, which is acidic and polar, with asparagine, which is neutral and polar, at codon 612 of the RBM20 protein (p.Asp612Asn). This variant is not present in population databases (gnomAD no frequency). This variant has not been reported in the literature in individuals affected with RBM20-related conditions. ClinVar contains an entry for this variant (Variation ID: 2983836). Invitae Evidence Modeling of protein sequence and biophysical properties (such as structural, functional, and spatial information, amino acid conservation, physicochemical variation, residue mobility, and thermodynamic stability) indicates that this missense variant is not expected to disrupt RBM20 protein function with a negative predictive value of 95%. In summary, the available evidence is currently insufficient to determine the role of this variant in disease. Therefore, it has been classified as a Variant of Uncertain Significance.

NM_001134363.3(RBM20):c.1834G>A (p.Asp612Asn)

Gene: RBM20 (RNA binding motif protein 20; plus strand). Cytogenetic location: 10q25.2.
Variant type: single nucleotide variant.
Coding change: c.1834G>A on transcript NM_001134363.3 (MANE Select); coding-DNA position 1834, G replaced by A.
Protein change: p.Asp612Asn; replaces aspartic acid 612 with asparagine.
Molecular consequence: missense variant.
Genome position (GRCh38, 1-based): chr10:110,810,416, G>A. VCF-style: chr10-110810416-G-A. GRCh37 (hg19) VCF-style: chr10-112570174-G-A.
Other names: short protein forms D612N.
Identifiers: ClinVar variation 2983836 (VCV002983836.3), dbSNP rs1844749736, ClinGen allele CA378369117.
Genomic context (GRCh38, chr10:110,810,416, plus strand): 5'-TGATGGTGATCTCTCTGACTTTGCTAGAAACCCGGGAAGGCCGTGGCTGCCATCATCCAG[G>A]ACATCCATTCCCAGAGGGAGAGGGACATGTTCCGGGAAGCAGACAGGTGAGGCCCCAAGC-3'
Protein context (NP_001127835.2, residues 602-622): PGKAVAAIIQ[Asp612Asn]IHSQRERDMF